The following is an entry in ClinVar:

NM_003482.4(KMT2D):c.14502dup (p.Ala4835fs)

Gene: KMT2D (lysine methyltransferase 2D; minus strand). Cytogenetic location: 12q13.12.
Variant type: Duplication.
Coding change: c.14502dup on transcript NM_003482.4 (MANE Select); coding-DNA position 14502, one base duplicated (A; older notation c.14502dupA).
Protein change: p.Ala4835fs; shifts the reading frame from alanine 4835.
Molecular consequence: frameshift variant.
Genome position (GRCh38, 1-based): chr12:49,028,022, T duplicated on the plus strand (A on the coding strand, the reverse complement: KMT2D is on the minus strand); the first of 2 consecutive T bases (chr12:49,028,022-49,028,023); duplicating either gives the same sequence. VCF-style (leftmost placement, unchanged base first): chr12-49028021-C-CT. GRCh37 (hg19) VCF-style: chr12-49421804-C-CT.
Other names: short protein forms A4835fs.
Identifiers: ClinVar variation 1526176 (VCV001526176.1), dbSNP rs2120378003, ClinGen allele CA2573148670.

ClinVar aggregate classification (germline): Likely pathogenic (1 of 4 stars; one submission).

Conditions:
Kabuki syndrome 1 (KABUK1). Also called: KMT2D-Related Kabuki Syndrome. Identifiers: Orphanet 2322, MedGen CN030661, MONDO:0007843, OMIM 147920.

Submission:

3billion
Classification: Likely pathogenic for Kabuki syndrome 1. Last evaluated: 2022-03-22. Review status: criteria provided, single submitter. Criteria: ACMG Guidelines, 2015. Collection method: clinical testing. Allele origin: germline. Affected: yes. Observed: 1 heterozygote.
Comment: Frameshift: predicted to result in a loss or disruption of normal protein function through nonsense-mediated decay (NMD) or protein truncation. Multiple pathogenic variants are reported downstream of the variant.It is not observed in the gnomAD v2.1.1 dataset. Therefore, this variant is classified as likely pathogenic according to the recommendation of ACMG/AMP guideline.